The following is an entry in ClinVar:

ClinVar aggregate classification (germline): Uncertain significance (1 of 4 stars; one submission).

Conditions:
Multiple gastrointestinal atresias. Also called: Multiple intestinal atresia; FAMILIAL INTESTINAL POLYATRESIA SYNDROME. Identifiers: Orphanet 2300, MedGen C0220744, MONDO:0009465.

Submission:

Labcorp Genetics (formerly Invitae), Labcorp
Classification: Uncertain significance for Multiple gastrointestinal atresias. Last evaluated: 2024-02-24. Review status: criteria provided, single submitter. Criteria: Invitae Variant Classification Sherloc (09022015). Collection method: clinical testing. Allele origin: germline.
Comment: This sequence change replaces phenylalanine, which is neutral and non-polar, with serine, which is neutral and polar, at codon 741 of the TTC7A protein (p.Phe741Ser). This variant is not present in population databases (gnomAD no frequency). This variant has not been reported in the literature in individuals affected with TTC7A-related conditions. ClinVar contains an entry for this variant (Variation ID: 2091881). Advanced modeling of protein sequence and biophysical properties (such as structural, functional, and spatial information, amino acid conservation, physicochemical variation, residue mobility, and thermodynamic stability) performed at Invitae indicates that this missense variant is not expected to disrupt TTC7A protein function with a negative predictive value of 80%. In summary, the available evidence is currently insufficient to determine the role of this variant in disease. Therefore, it has been classified as a Variant of Uncertain Significance.

NM_020458.4(TTC7A):c.2222T>C (p.Phe741Ser)

Gene: TTC7A (tetratricopeptide repeat domain 7A; plus strand). Cytogenetic location: 2p21.
Variant type: single nucleotide variant.
Coding change: c.2222T>C on transcript NM_020458.4 (MANE Select); coding-DNA position 2222, T replaced by C.
Protein change: p.Phe741Ser; replaces phenylalanine 741 with serine.
Molecular consequence: missense variant.
Genome position (GRCh38, 1-based): chr2:47,060,838, T>C. VCF-style: chr2-47060838-T-C. GRCh37 (hg19) VCF-style: chr2-47287977-T-C.
Other names: c.2294T>C, p.Phe765Ser (NM_001288951.2); c.2120T>C, p.Phe707Ser (NM_001288953.2); c.1160T>C, p.Phe387Ser (NM_001288955.2); short protein forms F765S, F387S, F707S, F741S.
Identifiers: ClinVar variation 2091881 (VCV002091881.4), dbSNP rs2465431875, ClinGen allele CA346714777.
Genomic context (GRCh38, chr2:47,060,838, plus strand): 5'-TCATGGAGCAGCAGCACCTCAAGGAAGCAGGTTTCTGCATCCAGGAGGCGGCGGGCCTCT[T>C]CCCCACTTCTCACTCAGTACTCTATATGCGGGGCCGGCTGGCTGAGGTGAAGGGCAACCT-3'
Protein context (NP_065191.2, residues 731-751): GFCIQEAAGL[Phe741Ser]PTSHSVLYMR